The following is an entry in ClinVar:

NM_016032.4(ZDHHC9):c.715G>A (p.Val239Ile)

Gene: ZDHHC9 (zDHHC palmitoyltransferase 9; minus strand). Cytogenetic location: Xq26.1.
Variant type: single nucleotide variant.
Coding change: c.715G>A on transcript NM_016032.4 (MANE Select); coding-DNA position 715, G replaced by A.
Protein change: p.Val239Ile; replaces valine 239 with isoleucine.
Molecular consequence: missense variant.
Genome position (GRCh38, 1-based): chrX:129,812,780, C>T on the plus strand (G>A on the coding strand, the complement: ZDHHC9 is on the minus strand). VCF-style: chrX-129812780-C-T. GRCh37 (hg19) VCF-style: chrX-128946756-C-T.
Other names: c.715G>A, p.Val239Ile (NM_001008222.3); c.715G>A (NM_016032.3); short protein forms V239I.
Identifiers: ClinVar variation 2810583 (VCV002810583.6), dbSNP rs759127031, ClinGen allele CA10513484.
Genomic context (GRCh38, chrX:129,812,780, plus strand): 5'-CTTCATTGGTTGTCTGGTTGAGAGCCACGAGGAAAGTATGAAATCCAGTCAGTCCCACGA[C>T]GGACCAGAGTGTAAAGAAGCAAATGAGGACTTCTAGAACAGTGAGGTGTGGTTAAGGAGT-3'
Protein context (NP_057116.2, residues 229-249): VLICFFTLWS[Val239Ile]VGLTGFHTFL

ClinVar aggregate classification (germline): Conflicting classifications of pathogenicity. Review status: criteria provided, conflicting classifications (1 of 4 stars). 3 submissions from 3 submitters: Uncertain significance (2); Likely benign (1). Last evaluated 2025-05-06.

Conditions:
Intellectual developmental disorder, X-linked, syndromic, Raymond type. Also called: Syndromic X-linked intellectual disability Raymond type. Identifiers: MedGen C3275406, MONDO:0010427, OMIM 300799.
Inborn genetic diseases. Identifiers: MedGen C0950123, MeSH D030342.

Allele frequency attached by ClinVar (database versions not stated): ExAC 0.00001; gnomAD exomes 0.00001; TOPMed 0.00002.
gnomAD v4.1: 11 of 1,211,028 alleles (0.00091%); highest among the groups gnomAD compares: East Asian, 0.0059%; no homozygotes.

Submissions (3):

Ambry Genetics
Classification: Uncertain significance for Inborn genetic diseases. Last evaluated: 2025-05-06. Review status: criteria provided, single submitter. Criteria: Ambry Variant Classification Scheme 2023. Collection method: clinical testing. Allele origin: germline.

Labcorp Genetics (formerly Invitae), Labcorp
Classification: Uncertain significance for Intellectual developmental disorder, X-linked, syndromic, Raymond type. Last evaluated: 2025-01-13. Review status: criteria provided, single submitter. Criteria: Invitae Variant Classification Sherloc (09022015). Collection method: clinical testing. Allele origin: germline.
Comment: This sequence change replaces valine, which is neutral and non-polar, with isoleucine, which is neutral and non-polar, at codon 239 of the ZDHHC9 protein (p.Val239Ile). This variant is present in population databases (rs759127031, gnomAD 0.004%). This variant has not been reported in the literature in individuals affected with ZDHHC9-related conditions. ClinVar contains an entry for this variant (Variation ID: 2810583). Invitae Evidence Modeling of protein sequence and biophysical properties (such as structural, functional, and spatial information, amino acid conservation, physicochemical variation, residue mobility, and thermodynamic stability) indicates that this missense variant is not expected to disrupt ZDHHC9 protein function with a negative predictive value of 80%. In summary, the available evidence is currently insufficient to determine the role of this variant in disease. Therefore, it has been classified as a Variant of Uncertain Significance.

Juno Genomics, Hangzhou Juno Genomics, Inc
Classification: Likely benign for Intellectual developmental disorder, X-linked, syndromic, Raymond type. Review status: criteria provided, single submitter. Criteria: ACMG Guidelines, 2015. Collection method: clinical testing. Allele origin: germline.
Comment: Absent from controls (or at extremely low frequency if recessive) in Genome Aggregation Database.;Multiple lines of computational evidence suggest no impact on gene or gene product.